The following is an entry in ClinVar:

ClinVar aggregate classification (germline): Uncertain significance. Review status: criteria provided, multiple submitters, no conflicts (2 of 4 stars). 2 submissions from 2 submitters: Uncertain significance (2). Last evaluated 2025-11-13.

Conditions:
Inborn genetic diseases. Identifiers: MedGen C0950123, MeSH D030342.
Spastic paraplegia. Identifiers: MedGen C0037772, HP:0001258.

Allele frequency attached by ClinVar (database versions not stated): gnomAD 0.00001; gnomAD exomes 0.00001; TOPMed 0.00002.

Submissions (2):

Ambry Genetics
Classification: Uncertain significance for Inborn genetic diseases. Last evaluated: 2025-11-13. Review status: criteria provided, single submitter. Criteria: Ambry Variant Classification Scheme 2023. Collection method: clinical testing. Allele origin: germline.

Labcorp Genetics (formerly Invitae), Labcorp
Classification: Uncertain significance for Spastic paraplegia. Last evaluated: 2024-11-11. Review status: criteria provided, single submitter. Criteria: Invitae Variant Classification Sherloc (09022015). Collection method: clinical testing. Allele origin: germline.
Comment: This sequence change replaces glutamic acid, which is acidic and polar, with glycine, which is neutral and non-polar, at codon 383 of the CYP2U1 protein (p.Glu383Gly). This variant is present in population databases (no rsID available, gnomAD 0.002%). This variant has not been reported in the literature in individuals affected with CYP2U1-related conditions. ClinVar contains an entry for this variant (Variation ID: 2170547). Invitae Evidence Modeling of protein sequence and biophysical properties (such as structural, functional, and spatial information, amino acid conservation, physicochemical variation, residue mobility, and thermodynamic stability) has been performed for this missense variant. However, the output from this modeling did not meet the statistical confidence thresholds required to predict the impact of this variant on CYP2U1 protein function. In summary, the available evidence is currently insufficient to determine the role of this variant in disease. Therefore, it has been classified as a Variant of Uncertain Significance.

NM_183075.3(CYP2U1):c.1148A>G (p.Glu383Gly)

Gene: CYP2U1 (cytochrome P450 family 2 subfamily U member 1; plus strand). Cytogenetic location: 4q25.
Variant type: single nucleotide variant.
Coding change: c.1148A>G on transcript NM_183075.3 (MANE Select); coding-DNA position 1148, A replaced by G.
Protein change: p.Glu383Gly; replaces glutamic acid 383 with glycine.
Molecular consequence: missense variant.
Genome position (GRCh38, 1-based): chr4:107,947,397, A>G. VCF-style: chr4-107947397-A-G. GRCh37 (hg19) VCF-style: chr4-108868553-A-G.
Other names: c.1148A>G (NM_183075.2); short protein forms E383G.
Identifiers: ClinVar variation 2170547 (VCV002170547.6), dbSNP rs1035191390, ClinGen allele CA102868088.